The following is an entry in ClinVar:

NM_002076.4(GNS):c.1019A>G (p.Lys340Arg)

Gene: GNS (glucosamine (N-acetyl)-6-sulfatase; minus strand). Cytogenetic location: 12q14.3.
Variant type: single nucleotide variant.
Coding change: c.1019A>G on transcript NM_002076.4 (MANE Select); coding-DNA position 1019, A replaced by G.
Protein change: p.Lys340Arg; replaces lysine 340 with arginine.
Molecular consequence: missense variant.
Genome position (GRCh38, 1-based): chr12:64,737,083, T>C on the plus strand (A>G on the coding strand, the complement: GNS is on the minus strand). VCF-style: chr12-64737083-T-C. GRCh37 (hg19) VCF-style: chr12-65130863-T-C.
Other names: short protein forms K340R.
Identifiers: ClinVar variation 2137387 (VCV002137387.6), dbSNP rs2539517850, ClinGen allele CA385606097.

ClinVar aggregate classification (germline): Pathogenic/Likely pathogenic. Review status: criteria provided, multiple submitters, no conflicts (2 of 4 stars). 3 submissions from 3 submitters: Pathogenic (1); Likely pathogenic (2). Last evaluated 2025-05-15.

Conditions:
Mucopolysaccharidosis, MPS-III-D (MPS3D). Also called: N-ACETYLGLUCOSAMINE-6-SULFATASE DEFICIENCY; SANFILIPPO SYNDROME D; MPS III D; Mucopoly-saccharidosis type 3D; N-acetylglucosamine-6-sulfate sulfatase deficiency; MPS 3D. Identifiers: Orphanet 581, Orphanet 79272, MedGen C0086650, MONDO:0009658, OMIM 252940.

Allele frequency attached by ClinVar (database versions not stated): gnomAD exomes below 0.00001.
gnomAD v4.1: 1 of 1,588,760 alleles (0.000063%); highest among the groups gnomAD compares: Non-Finnish European, 0.000086%; no homozygotes.

Submissions (3):

Women's Health and Genetics/Laboratory Corporation of America, LabCorp
Classification: Likely pathogenic for Mucopolysaccharidosis, MPS-III-D. Last evaluated: 2025-05-15. Review status: criteria provided, single submitter. Criteria: LabCorp Variant Classification Summary - May 2015. Collection method: clinical testing. Allele origin: germline.
Comment: Variant summary: GGNS c.1019A>G (p.Lys340Arg) results in a conservative amino acid change in the encoded protein sequence. Algorithms developed to predict the effect of missense changes on protein structure and function are either unavailable or do not agree on the potential impact of this missense change. The variant was absent in 251476 control chromosomes (gnomAD). c.1019A>G has been observed in individuals affected with clinical features of Mucopolysaccharidosis Type IIID (Sanfilippo Syndrome D) (Valstar_2010, Barone_2021). These data indicate that the variant is likely to be associated with disease. To our knowledge, no experimental evidence demonstrating an impact on protein function has been reported. The following publications have been ascertained in the context of this evaluation (PMID: 34349725, 34743503, 20232353). ClinVar contains an entry for this variant (Variation ID: 2137387). Based on the evidence outlined above, the variant was classified as likely pathogenic.

Labcorp Genetics (formerly Invitae), Labcorp
Classification: Pathogenic for Mucopolysaccharidosis, MPS-III-D. Last evaluated: 2022-12-21. Review status: criteria provided, single submitter. Criteria: Invitae Variant Classification Sherloc (09022015). Collection method: clinical testing. Allele origin: germline.
Comment: For these reasons, this variant has been classified as Pathogenic. Advanced modeling of protein sequence and biophysical properties (such as structural, functional, and spatial information, amino acid conservation, physicochemical variation, residue mobility, and thermodynamic stability) performed at Invitae indicates that this missense variant is expected to disrupt GNS protein function. This missense change has been observed in individual(s) with clinical features of mucopolysaccharidosis type IIID (PMID: 20232353, 34349725). This variant is not present in population databases (gnomAD no frequency). This sequence change replaces lysine, which is basic and polar, with arginine, which is basic and polar, at codon 340 of the GNS protein (p.Lys340Arg).

Pediatric/Medical Genetics, Ministry of Health, Qatif Central Hospital
Classification: Likely pathogenic for Mucopolysaccharidosis, MPS-III-D. Review status: criteria provided, single submitter. Criteria: ACMG Guidelines, 2015. Collection method: clinical testing. Allele origin: germline. Inheritance: Autosomal recessive inheritance. Affected: yes.

Literature cited by the submitters: PubMed 34349725 (cited by Women's Health and Genetics/Laboratory Corporation of America, LabCorp and Labcorp Genetics (formerly Invitae), Labcorp); PubMed 20232353 (cited by Women's Health and Genetics/Laboratory Corporation of America, LabCorp and Labcorp Genetics (formerly Invitae), Labcorp); PubMed 34743503 (cited by Women's Health and Genetics/Laboratory Corporation of America, LabCorp).